The following is an entry in ClinVar:

ClinVar aggregate classification (germline): Pathogenic (1 of 4 stars; one submission).

Conditions:
Neurodevelopmental disorder with language impairment and behavioral abnormalities. Also called: GRIA2-related neurodevelopmental disorder. Identifiers: MedGen C5394502, MONDO:0030060, OMIM 618917.

Submission:

Variantyx, Inc.
Classification: Pathogenic for Neurodevelopmental disorder with language impairment and behavioral abnormalities. Last evaluated: 2025-11-17. Review status: criteria provided, single submitter. Criteria: Variantyx Assertion Criteria 2022. Collection method: clinical testing. Allele origin: de novo. Inheritance: Autosomal dominant inheritance. Affected: yes.
Comment: This is a nonsense variant in the GRIA2 gene (OMIM: 138247). Pathogenic variants in this gene have been associated with autosomal dominant neurodevelopmental disorder with language impairment and behavioral abnormalities. This variant introduces a premature termination codon in exon 13 out of 16 and is expected to result in loss of function, which is a known disease mechanism for GRIA2 in this disorder (PMID: 31300657) (PVS1). This variant is absent from control populations (PM2). Based on the current evidence, this variant is classified as pathogenic for autosomal dominant neurodevelopmental disorder with language impairment and behavioral abnormalities.

Literature cited by the submitters: PubMed 31300657.

NM_001083619.3(GRIA2):c.2076G>A (p.Trp692Ter)

Gene: GRIA2 (glutamate ionotropic receptor AMPA type subunit 2; plus strand). Cytogenetic location: 4q32.1.
Variant type: single nucleotide variant.
Coding change: c.2076G>A on transcript NM_001083619.3 (MANE Select); coding-DNA position 2076, G replaced by A.
Protein change: p.Trp692Ter; replaces tryptophan 692 with a stop codon.
Molecular consequence: nonsense.
Genome position (GRCh38, 1-based): chr4:157,359,928, G>A. VCF-style: chr4-157359928-G-A. GRCh37 (hg19) VCF-style: chr4-158281080-G-A.
Other names: c.2076G>A, p.Trp692Ter (NM_000826.6); c.1935G>A, p.Trp645Ter (NM_001083620.3, NM_001379000.3, NM_001379001.3); short protein forms W645*, W692*.
Identifiers: ClinVar variation 4813763 (VCV004813763.1).
Genomic context (GRCh38, chr4:157,359,928, plus strand): 5'-GCTATCTGGCCCCTTACTTTTCCTGCAGAGATCTAAAATTGCAGTGTTTGATAAAATGTG[G>A]ACCTACATGCGGAGTGCGGAGCCCTCTGTGTTTGTGAGGACTACGGCCGAAGGGGTGGCT-3'